The following is an entry in ClinVar:

ClinVar aggregate classification (germline): Benign. Review status: criteria provided, multiple submitters, no conflicts (2 of 4 stars). 3 submissions from 3 submitters: Benign (2). 1 of the submissions does not count toward it. Last evaluated 2025-02-16.

Conditions:
Ovarian neoplasm. Also called: Ovarian tumor; Ovarian Neoplasms; Neoplasm of ovary. Identifiers: MedGen C0919267, MeSH D010051, MONDO:0021068, HP:0100615.

Submissions (3):

Laboratory of Genetics, Children's Clinical University Hospital Latvia
Classification: Benign. Last evaluated: 2025-02-16. Review status: criteria provided, single submitter. Criteria: ACMG Guidelines, 2015. Collection method: clinical testing. Allele origin: germline. Affected: yes.

Ophthalmic Genetics Group, Institute of Molecular and Clinical Ophthalmology Basel
Classification: Benign for Neoplasm of ovary. Last evaluated: 2023-08-29. Review status: criteria provided, single submitter. Criteria: ACMG Guidelines, 2015. Collection method: curation. Allele origin: unknown.
Comment: Clinical significance based on ACMG v2.0

This variant was classified as Benign based on ACMG criteria: BA1.

Department of Zoology Govt. MVM College
Classification: Likely pathogenic for Neoplasm of ovary. Review status: no assertion criteria provided. Collection method: not provided. Allele origin: unknown. Not counted in ClinVar's aggregate classification.
Comment: KM272011;KM276951
ClinVar note: Converted during submission from probable-pathogenic to Likely pathogenic.

NC_012920.1(MT-CYB):m.15607A>G

Gene: MT-CYB (mitochondrially encoded cytochrome b; plus strand).
Variant type: single nucleotide variant.
Genome position: chrM-15607-A-G.
Identifiers: ClinVar variation 143926 (VCV000143926.4), dbSNP rs193302996, ClinGen allele CA345760.
Genomic context (GRCh38, chrMT:15,607, plus strand): 5'-CATCAAGCCCGAATGATATTTCCTATTCGCCTACACAATTCTCCGATCCGTCCCTAACAA[A>G]CTAGGAGGCGTCCTTGCCCTATTACTATCCATCCTCATCCTAGCAATAATCCCCATCCTC-3'